The following is an entry in ClinVar:

ClinVar aggregate classification (germline): Conflicting classifications of pathogenicity. Review status: criteria provided, conflicting classifications (1 of 4 stars). 6 submissions from 6 submitters: Uncertain significance (2); Likely benign (3). 1 of the submissions does not count toward it. Last evaluated 2025-12-31.

Conditions:
Hereditary cancer-predisposing syndrome. Also called: Hereditary neoplastic syndrome; Tumor predisposition; Neoplastic Syndromes, Hereditary; Hereditary Cancer Syndrome. Identifiers: Orphanet 140162, MedGen C0027672, MeSH D009386, MONDO:0015356.
NTHL1-related disorder. Also called: NTHL1-related conditions; NTHL1-related condition.

Allele frequency attached by ClinVar (database versions not stated): TOPMed 0.00003; ExAC 0.00009; gnomAD exomes 0.00006; gnomAD 0.00004.
gnomAD v4.1: 69 of 1,611,106 alleles (0.0043%); highest among the groups gnomAD compares: Non-Finnish European, 0.0056%; no homozygotes.

Submissions (6):

Labcorp Genetics (formerly Invitae), Labcorp
Classification: Likely benign. Last evaluated: 2025-12-31. Review status: criteria provided, single submitter. Criteria: Invitae Variant Classification Sherloc (09022015). Collection method: clinical testing. Allele origin: germline.

Center for Genomic Medicine, Rigshospitalet, Copenhagen University Hospital
Classification: Likely benign. Last evaluated: 2025-03-04. Review status: criteria provided, single submitter. Criteria: ACMG Guidelines, 2015. Collection method: clinical testing. Allele origin: germline.

Ambry Genetics
Classification: Uncertain significance for Hereditary cancer-predisposing syndrome. Last evaluated: 2025-02-26. Review status: criteria provided, single submitter. Criteria: Ambry Variant Classification Scheme 2023. Collection method: clinical testing. Allele origin: germline.
Comment: The c.378+4G>T intronic variant results from a G to T substitution 4 nucleotides after coding exon 2 in the NTHL1 gene. This nucleotide position is not well conserved in available vertebrate species. In silico splice site analysis predicts that this alteration will not have any significant effect on splicing. Based on the available evidence, the clinical significance of this variant remains unclear.

Quest Diagnostics Nichols Institute San Juan Capistrano
Classification: Uncertain significance. Last evaluated: 2022-09-07. Review status: criteria provided, single submitter. Criteria: Quest Diagnostics criteria. Collection method: clinical testing. Allele origin: unknown.
Comment: To the best of our knowledge, the variant has not been reported in the published literature. The frequency of this variant in the general population, 0.00038 (10/26090 chromosomes), is uninformative in assessment of its pathogenicity. Analysis of this variant using software algorithms for the prediction of the effect of nucleotide changes on splicing yielded predictions that this variant does not affect NTHL1 mRNA splicing . Based on the available information, we are unable to determine the clinical significance of this variant.

GeneDx
Classification: Likely benign. Last evaluated: 2018-04-17. Review status: criteria provided, single submitter. Criteria: GeneDx Variant Classification (06012015). Collection method: clinical testing. Allele origin: germline. Affected: yes.
Comment: This variant is considered likely benign or benign based on one or more of the following criteria: it is a conservative change, it occurs at a poorly conserved position in the protein, it is predicted to be benign by multiple in silico algorithms, and/or has population frequency not consistent with disease.

PreventionGenetics, part of Exact Sciences
Classification: Likely benign for NTHL1-related condition. Last evaluated: 2022-02-03. Review status: no assertion criteria provided. Collection method: clinical testing. Allele origin: germline. Not counted in ClinVar's aggregate classification.
Comment: This variant is classified as likely benign based on ACMG/AMP sequence variant interpretation guidelines (Richards et al. 2015 PMID: 25741868, with internal and published modifications).

NM_002528.7(NTHL1):c.354+4G>T

Gene: NTHL1 (nth like DNA glycosylase 1; minus strand). Cytogenetic location: 16p13.3.
Variant type: single nucleotide variant.
Coding change: c.354+4G>T on transcript NM_002528.7 (MANE Select); 4 bases into the intron after coding-DNA position 354, G replaced by T.
Molecular consequence: intron variant.
Genome position (GRCh38, 1-based): chr16:2,046,124, C>A on the plus strand (G>T on the coding strand, the complement: NTHL1 is on the minus strand). VCF-style: chr16-2046124-C-A. GRCh37 (hg19) VCF-style: chr16-2096125-C-A.
Other names: c.24+156G>T (NM_001318194.2); c.354+4G>T (NM_001318193.2, LRG_1366t1).
Identifiers: ClinVar variation 657068 (VCV000657068.24), dbSNP rs771353497, ClinGen allele CA7828308.